The following is an entry in ClinVar:

NM_003924.4(PHOX2B):c.380C>T (p.Thr127Ile)

Gene: PHOX2B (paired like homeobox 2B; minus strand). Cytogenetic location: 4p13.
Variant type: single nucleotide variant.
Coding change: c.380C>T on transcript NM_003924.4 (MANE Select); coding-DNA position 380, C replaced by T.
Protein change: p.Thr127Ile; replaces threonine 127 with isoleucine.
Molecular consequence: missense variant.
Genome position (GRCh38, 1-based): chr4:41,747,398, G>A on the plus strand (C>T on the coding strand, the complement: PHOX2B is on the minus strand). VCF-style: chr4-41747398-G-A. GRCh37 (hg19) VCF-style: chr4-41749415-G-A.
Other names: short protein forms T127I.
Identifiers: ClinVar variation 1390910 (VCV001390910.8), dbSNP rs2153112934, ClinGen allele CA356739954.
Genomic context (GRCh38, chr4:41,747,398, plus strand): 5'-GGCGCGCGTACCTGGACTCGCGCCTCTGTGAGGTCGATCTTCAGGGCCAGCTCCTCCCGA[G>A]TGTAGATGTCGGGGTAGTGAGTCTCCGCGAAGACCCTTTCCAGCTCTTTGAGCTGGGCAC-3'
Protein context (NP_003915.2, residues 117-137): FAETHYPDIY[Thr127Ile]REELALKIDL

ClinVar aggregate classification (germline): Uncertain significance (1 of 4 stars; one submission).

Conditions:
Haddad syndrome (OHD). Also called: Ondine-Hirschsprung disease. Identifiers: Orphanet 99803, MedGen C1859049, MONDO:0020493.

Submission:

Labcorp Genetics (formerly Invitae), Labcorp
Classification: Uncertain significance for Haddad syndrome. Last evaluated: 2021-04-26. Review status: criteria provided, single submitter. Criteria: Invitae Variant Classification Sherloc (09022015). Collection method: clinical testing. Allele origin: germline.
Comment: In summary, the available evidence is currently insufficient to determine the role of this variant in disease. Therefore, it has been classified as a Variant of Uncertain Significance. Algorithms developed to predict the effect of missense changes on protein structure and function (SIFT, PolyPhen-2, Align-GVGD) all suggest that this variant is likely to be disruptive, but these predictions have not been confirmed by published functional studies and their clinical significance is uncertain. This variant has not been reported in the literature in individuals with PHOX2B-related conditions. This variant is not present in population databases (ExAC no frequency). This sequence change replaces threonine with isoleucine at codon 127 of the PHOX2B protein (p.Thr127Ile). The threonine residue is highly conserved and there is a moderate physicochemical difference between threonine and isoleucine.